The following is an entry in ClinVar:

NM_173551.5(ANKS6):c.722C>T (p.Ala241Val)

Gene: ANKS6 (ankyrin repeat and sterile alpha motif domain containing 6; minus strand). Cytogenetic location: 9q22.33.
Variant type: single nucleotide variant.
Coding change: c.722C>T on transcript NM_173551.5 (MANE Select); coding-DNA position 722, C replaced by T.
Protein change: p.Ala241Val; replaces alanine 241 with valine.
Molecular consequence: missense variant.
Genome position (GRCh38, 1-based): chr9:98,790,244, G>A on the plus strand (C>T on the coding strand, the complement: ANKS6 is on the minus strand). VCF-style: chr9-98790244-G-A. GRCh37 (hg19) VCF-style: chr9-101552526-G-A.
Other names: short protein forms A241V.
Identifiers: ClinVar variation 4975312 (VCV004975312.1).

ClinVar aggregate classification (germline): Uncertain significance (1 of 4 stars; one submission).

gnomAD v4.1: 5 of 1,605,680 alleles (0.00031%); highest among the groups gnomAD compares: African/African-American, 0.0027%; no homozygotes.

Submission:

GeneDx
Classification: Uncertain significance. Last evaluated: 2026-01-27. Review status: criteria provided, single submitter. Criteria: GeneDx Variant Classification Process June 2021. Collection method: clinical testing. Allele origin: germline.
Comment: Not observed at significant frequency in large population cohorts (gnomAD); In silico analysis suggests that this missense variant does not alter protein structure/function; Has not been previously published as pathogenic or benign to our knowledge